The following is an entry in ClinVar:

ClinVar aggregate classification (germline): Pathogenic. Review status: criteria provided, multiple submitters, no conflicts (2 of 4 stars). 2 submissions from 2 submitters: Pathogenic (2). Last evaluated 2026-01-13.

Conditions:
Intellectual disability. Also called: intellectual disabilities; Intellectual developmental disorder; Intellectual functioning disability. Identifiers: MedGen C3714756, MeSH D008607, MONDO:0001071, HP:0001249.

Submissions (2):

GeneDx
Classification: Pathogenic. Last evaluated: 2026-01-13. Review status: criteria provided, single submitter. Criteria: GeneDx Variant Classification Process June 2021. Collection method: clinical testing. Allele origin: germline. Affected: yes.
Comment: Frameshift variant predicted to result in protein truncation or nonsense mediated decay in a gene for which loss of function is a known mechanism of disease; Not observed at significant frequency in large population cohorts (gnomAD); This variant is associated with the following publications: (PMID: 29574747)

Diagnostic Laboratory, Strasbourg University Hospital
Classification: Pathogenic for Intellectual disability. Last evaluated: 2020-04-20. Review status: criteria provided, single submitter. Criteria: ACMG Guidelines, 2015. Collection method: clinical testing. Allele origin: de novo. Inheritance: Autosomal dominant inheritance. Affected: yes. Observed: 1 heterozygote.

NM_001197104.2(KMT2A):c.1142dup (p.Ala383fs)

Gene: KMT2A (lysine methyltransferase 2A; plus strand). Cytogenetic location: 11q23.3.
Variant type: Duplication.
Coding change: c.1142dup on transcript NM_001197104.2 (MANE Select); coding-DNA position 1142, one base duplicated (A; older notation c.1142dupA).
Protein change: p.Ala383fs; shifts the reading frame from alanine 383.
Molecular consequence: frameshift variant.
Genome position (GRCh38, 1-based): chr11:118,472,301, A duplicated; the last of 6 consecutive A bases (chr11:118,472,296-118,472,301); duplicating any one gives the same sequence. VCF-style (leftmost placement, unchanged base first): chr11-118472295-C-CA. GRCh37 (hg19) VCF-style: chr11-118343010-C-CA.
Other names: c.1142dupA (NM_001197104.1); c.1142dup, p.Ala383fs (NM_005933.4); short protein forms A383fs.
Identifiers: ClinVar variation 978872 (VCV000978872.6), dbSNP rs1949956477, ClinGen allele CA1139662370.